The following is an entry in ClinVar:

NM_000111.3(SLC26A3):c.889-6T>C

Gene: SLC26A3 (solute carrier family 26 member 3; minus strand). Cytogenetic location: 7q22.3.
Variant type: single nucleotide variant.
Coding change: c.889-6T>C on transcript NM_000111.3 (MANE Select); 6 bases into the intron before coding-DNA position 889, T replaced by C.
Molecular consequence: intron variant.
Genome position (GRCh38, 1-based): chr7:107,786,915, A>G on the plus strand (T>C on the coding strand, the complement: SLC26A3 is on the minus strand). VCF-style: chr7-107786915-A-G. GRCh37 (hg19) VCF-style: chr7-107427360-A-G.
Identifiers: ClinVar variation 358550 (VCV000358550.19), dbSNP rs17154430, ClinGen allele CA4433998.

ClinVar aggregate classification (germline): Benign/Likely benign. Review status: criteria provided, multiple submitters, no conflicts (2 of 4 stars). 5 submissions from 5 submitters: Benign (2); Likely benign (2). 1 of the submissions does not count toward it. Last evaluated 2026-02-01.

Conditions:
SLC26A3-related disorder. Also called: SLC26A3-related condition.
Congenital secretory diarrhea, chloride type (DIAR1). Also called: DIARRHEA 1, SECRETORY CHLORIDE, CONGENITAL; CHLORIDORRHEA, CONGENITAL; CHLORIDE DIARRHEA, CONGENITAL, FINNISH TYPE. Identifiers: Orphanet 53689, MedGen C0267662, MONDO:0008964, OMIM 214700.

Allele frequency attached by ClinVar (database versions not stated): gnomAD exomes 0.00147 and 0.00387; ExAC 0.00503; 1000 Genomes Project 0.01418; 1000 Genomes Project 30x 0.01452; gnomAD 0.01498 and 0.01616; TOPMed 0.01654; ESP Exome Variant Server 0.01684.
gnomAD v4.1: 4,492 of 1,613,366 alleles (0.28%); highest among the groups gnomAD compares: African/African-American, 5.4%; 101 homozygotes.

Submissions (5):

Labcorp Genetics (formerly Invitae), Labcorp
Classification: Benign. Last evaluated: 2026-02-01. Review status: criteria provided, single submitter. Criteria: Invitae Variant Classification Sherloc (09022015). Collection method: clinical testing. Allele origin: germline.

GeneDx
Classification: Benign. Last evaluated: 2021-06-10. Review status: criteria provided, single submitter. Criteria: GeneDx Variant Classification Process June 2021. Collection method: clinical testing. Allele origin: germline. Affected: yes.

Illumina Laboratory Services, Illumina
Classification: Likely benign for Congenital secretory diarrhea, chloride type. Last evaluated: 2017-04-27. Review status: criteria provided, single submitter. Criteria: ICSL Variant Classification Criteria 13 December 2019. Collection method: clinical testing. Allele origin: germline.
Comment: This variant was observed as part of a predisposition screen in an ostensibly healthy population. A literature search was performed for the gene, cDNA change, and amino acid change (where applicable). No publications were found based on this search. Allele frequency data from public databases allowed determination this variant is unlikely to cause disease. Therefore, this variant is classified as likely benign.

Breakthrough Genomics
Classification: Likely benign. Review status: criteria provided, single submitter. Criteria: ACMG Guidelines, 2015. Collection method: not provided. Allele origin: germline. Inheritance: Autosomal recessive inheritance. Affected: yes.

PreventionGenetics, part of Exact Sciences
Classification: Benign for SLC26A3-related condition. Last evaluated: 2019-11-25. Review status: no assertion criteria provided. Collection method: clinical testing. Allele origin: germline. Not counted in ClinVar's aggregate classification.
Comment: This variant is classified as benign based on ACMG/AMP sequence variant interpretation guidelines (Richards et al. 2015 PMID: 25741868, with internal and published modifications).